The following is an entry in ClinVar:

NM_018718.3(CEP41):c.955G>T (p.Gly319Trp)

Gene: CEP41 (centrosomal protein 41; minus strand). Cytogenetic location: 7q32.2.
Variant type: single nucleotide variant.
Coding change: c.955G>T on transcript NM_018718.3 (MANE Select); coding-DNA position 955, G replaced by T.
Protein change: p.Gly319Trp; replaces glycine 319 with tryptophan.
Molecular consequence: missense variant. On other transcripts: non-coding transcript variant (1), intron variant (2).
Genome position (GRCh38, 1-based): chr7:130,400,057, C>A on the plus strand (G>T on the coding strand, the complement: CEP41 is on the minus strand). VCF-style: chr7-130400057-C-A. GRCh37 (hg19) VCF-style: chr7-130039898-C-A.
Other names: c.709+650G>T (NM_001257159.2); c.757+650G>T (NM_001257158.2); short protein forms G319W.
Identifiers: ClinVar variation 1715812 (VCV001715812.3), dbSNP rs2536049335, ClinGen allele CA369286927.

ClinVar aggregate classification (germline): Uncertain significance (1 of 4 stars; one submission).

Conditions:
Joubert syndrome 15 (JBTS15). Identifiers: Orphanet 475, MedGen C3280897, MONDO:0013763, OMIM 614464.

Allele frequency attached by ClinVar (database versions not stated): gnomAD exomes below 0.00001.
gnomAD v4.1: 2 of 1,608,894 alleles (0.00012%); highest among the groups gnomAD compares: Non-Finnish European, 0.00017%; no homozygotes.

Submission:

Labcorp Genetics (formerly Invitae), Labcorp
Classification: Uncertain significance for Joubert syndrome 15. Last evaluated: 2022-08-09. Review status: criteria provided, single submitter. Criteria: Invitae Variant Classification Sherloc (09022015). Collection method: clinical testing. Allele origin: germline.
Comment: This sequence change replaces glycine, which is neutral and non-polar, with tryptophan, which is neutral and slightly polar, at codon 319 of the CEP41 protein (p.Gly319Trp). This variant is not present in population databases (gnomAD no frequency). This variant has not been reported in the literature in individuals affected with CEP41-related conditions. Algorithms developed to predict the effect of missense changes on protein structure and function are either unavailable or do not agree on the potential impact of this missense change (SIFT: "Deleterious"; PolyPhen-2: "Possibly Damaging"; Align-GVGD: "Class C0"). In summary, the available evidence is currently insufficient to determine the role of this variant in disease. Therefore, it has been classified as a Variant of Uncertain Significance.